The following is an entry in ClinVar:

ClinVar aggregate classification (germline): Uncertain significance. Review status: criteria provided, multiple submitters, no conflicts (2 of 4 stars). 3 submissions from 3 submitters: Uncertain significance (2). 1 of the submissions does not count toward it. Last evaluated 2024-11-13.

Conditions:
NEK1-related disorder. Also called: NEK1-related condition.
Inborn genetic diseases. Identifiers: MedGen C0950123, MeSH D030342.
Short-rib thoracic dysplasia 6 with or without polydactyly (SRTD6). Also called: POLYDACTYLY WITH NEONATAL CHONDRODYSTROPHY, TYPE II; SHORT-RIB THORACIC DYSPLASIA 6 WITH POLYDACTYLY; SHORT-RIB THORACIC DYSPLASIA 6 WITHOUT POLYDACTYLY; Majewski Syndrome; SHORT RIB-POLYDACTYLY SYNDROME, TYPE IIA. Identifiers: MedGen C0024507, MONDO:0009894, OMIM 263520.

Allele frequency attached by ClinVar (database versions not stated): gnomAD 0.00002; gnomAD exomes 0.00002; TOPMed 0.00003.
gnomAD v4.1: 34 of 1,574,102 alleles (0.0022%); highest among the groups gnomAD compares: Non-Finnish European, 0.0029%; no homozygotes.

Submissions (3):

Labcorp Genetics (formerly Invitae), Labcorp
Classification: Uncertain significance for Short-rib thoracic dysplasia 6 with or without polydactyly. Last evaluated: 2024-11-13. Review status: criteria provided, single submitter. Criteria: Invitae Variant Classification Sherloc (09022015). Collection method: clinical testing. Allele origin: germline.
Comment: This sequence change replaces asparagine, which is neutral and polar, with aspartic acid, which is acidic and polar, at codon 1168 of the NEK1 protein (p.Asn1168Asp). This variant is not present in population databases (gnomAD no frequency). This variant has not been reported in the literature in individuals affected with NEK1-related conditions. ClinVar contains an entry for this variant (Variation ID: 1360240). An algorithm developed to predict the effect of missense changes on protein structure and function (PolyPhen-2) suggests that this variant is likely to be tolerated. In summary, the available evidence is currently insufficient to determine the role of this variant in disease. Therefore, it has been classified as a Variant of Uncertain Significance.

Ambry Genetics
Classification: Uncertain significance for Inborn genetic diseases. Last evaluated: 2023-05-02. Review status: criteria provided, single submitter. Criteria: Ambry Variant Classification Scheme 2023. Collection method: clinical testing. Allele origin: germline.

PreventionGenetics, part of Exact Sciences
Classification: Uncertain significance for NEK1-related condition. Last evaluated: 2024-06-07. Review status: no assertion criteria provided. Collection method: clinical testing. Allele origin: germline. Not counted in ClinVar's aggregate classification.
Comment: The NEK1 c.3502A>G variant is predicted to result in the amino acid substitution p.Asn1168Asp. To our knowledge, this variant has not been reported in the literature or in a large population database, indicating this variant is rare. At this time, the clinical significance of this variant is uncertain due to the absence of conclusive functional and genetic evidence.

NM_001199397.3(NEK1):c.3586A>G (p.Asn1196Asp)

Gene: NEK1 (NIMA related kinase 1; minus strand). Cytogenetic location: 4q33.
Variant type: single nucleotide variant.
Coding change: c.3586A>G on transcript NM_001199397.3 (MANE Select); coding-DNA position 3586, A replaced by G.
Protein change: p.Asn1196Asp; replaces asparagine 1196 with aspartic acid.
Molecular consequence: missense variant. On other transcripts: non-coding transcript variant (1).
Genome position (GRCh38, 1-based): chr4:169,400,649, T>C on the plus strand (A>G on the coding strand, the complement: NEK1 is on the minus strand). VCF-style: chr4-169400649-T-C. GRCh37 (hg19) VCF-style: chr4-170321800-T-C.
Other names: c.3454A>G, p.Asn1152Asp (NM_001199398.3); c.3295A>G, p.Asn1099Asp (NM_001199399.3); c.3370A>G, p.Asn1124Asp (NM_001199400.3); c.3586A>G, p.Asn1196Asp (NM_001374418.1); c.3502A>G, p.Asn1168Asp (NM_001374419.1, NM_012224.4); c.3451A>G, p.Asn1151Asp (NM_001374420.1); c.3103A>G, p.Asn1035Asp (NM_001374421.1); c.3502A>G (NM_012224.2); short protein forms N1124D, N1196D, N1035D, N1099D, N1151D, N1152D, N1168D.
Identifiers: ClinVar variation 1360240 (VCV001360240.8), dbSNP rs1249604313, ClinGen allele CA358800254.
Genomic context (GRCh38, chr4:169,400,649, plus strand): 5'-CCTCTAAATGGTTAAAGACACTATCGCATTCACATTCACTAGCAATTTCACCATCACTGT[T>C]ATCTAAAAAACAAAATTAAAATAGAGATTTGATTTAAAAAGACTGAATAACTCATACCCT-3'
Protein context (NP_001186326.1, residues 1186-1206): SALNEEWHSD[Asn1196Asp]SDGEIASECE